The following is an entry in ClinVar:

NM_000875.5(IGF1R):c.1097G>A (p.Arg366Gln)

Genes: IGF1R (insulin like growth factor 1 receptor; plus strand), LOC126862245 (P300/CBP strongly-dependent group 1 enhancer GRCh37_chr15:99439536-99440735; plus strand). Cytogenetic location: 15q26.3.
Variant type: single nucleotide variant.
Coding change: c.1097G>A on transcript NM_000875.5 (MANE Select); coding-DNA position 1097, G replaced by A.
Protein change: p.Arg366Gln; replaces arginine 366 with glutamine.
Molecular consequence: missense variant.
Genome position (GRCh38, 1-based): chr15:98,896,900, G>A. VCF-style: chr15-98896900-G-A. GRCh37 (hg19) VCF-style: chr15-99440129-G-A.
Other names: c.1097G>A, p.Arg366Gln (NM_001291858.2); short protein forms R366Q.
Identifiers: ClinVar variation 3617646 (VCV003617646.2).
Genomic context (GRCh38, chr15:98,896,900, plus strand): 5'-CTGCTCAGATGCTCCAAGGATGCACCATCTTCAAGGGCAATTTGCTCATTAACATCCGAC[G>A]GGGGAGTAAGTATTCCATCCCCCTGGAAAAACGGCTAGATCTCATGGTTTTCTTTTGTTG-3'
Protein context (NP_000866.1, residues 356-376): FKGNLLINIR[Arg366Gln]GNNIASELEN

ClinVar aggregate classification (germline): Uncertain significance (1 of 4 stars; one submission).

gnomAD v4.1: 4 of 1,613,792 alleles (0.00025%); highest among the groups gnomAD compares: Non-Finnish European, 0.00034%; no homozygotes.

Submission:

Labcorp Genetics (formerly Invitae), Labcorp
Classification: Uncertain significance. Last evaluated: 2024-07-24. Review status: criteria provided, single submitter. Criteria: Invitae Variant Classification Sherloc (09022015). Collection method: clinical testing. Allele origin: germline.
Comment: This sequence change replaces arginine, which is basic and polar, with glutamine, which is neutral and polar, at codon 366 of the IGF1R protein (p.Arg366Gln). This variant is not present in population databases (gnomAD no frequency). This variant has not been reported in the literature in individuals affected with IGF1R-related conditions. Advanced modeling of protein sequence and biophysical properties (such as structural, functional, and spatial information, amino acid conservation, physicochemical variation, residue mobility, and thermodynamic stability) performed at Invitae indicates that this missense variant is not expected to disrupt IGF1R protein function with a negative predictive value of 80%. In summary, the available evidence is currently insufficient to determine the role of this variant in disease. Therefore, it has been classified as a Variant of Uncertain Significance.